The following is an entry in ClinVar:

ClinVar aggregate classification (germline): Uncertain significance. Review status: criteria provided, multiple submitters, no conflicts (2 of 4 stars). 8 submissions from 4 submitters: Uncertain significance (8). Last evaluated 2025-11-05.

Conditions:
Early-onset myopathy with fatal cardiomyopathy (CMYO5). Also called: CONGENITAL MYOPATHY 5 WITH CARDIOMYOPATHY; Salih Myopathy. Identifiers: Orphanet 289377, MedGen C2673677, MONDO:0012714, OMIM 611705. Disease mechanism: loss of function.
TTN-related disorder. Also called: TTN-related condition; TTN-related disease; TTN-related disorders.
Myopathy, myofibrillar, 9, with early respiratory failure (MFM9). Also called: Myopathy, distal, with early respiratory failure, autosomal dominant; Hereditary myopathy with early respiratory failure; EDSTROM MYOPATHY; MYOPATHY, PROXIMAL, WITH EARLY RESPIRATORY MUSCLE INVOLVEMENT. Identifiers: Orphanet 178464, Orphanet 34521, MedGen C1863599, MONDO:0011362, OMIM 603689.
Autosomal recessive limb-girdle muscular dystrophy type 2J (LGMDR10). Also called: MUSCULAR DYSTROPHY, LIMB-GIRDLE, AUTOSOMAL RECESSIVE 10; Limb-girdle muscular dystrophy, type 2J. Identifiers: Orphanet 140922, MedGen C1837342, MONDO:0012127, OMIM 608807.
Tibial muscular dystrophy (TMD). Also called: UDD MYOPATHY; Udd Distal Myopathy – Tibial Muscular Dystrophy; Tibial muscular dystrophy, tardive. Identifiers: Orphanet 609, MedGen C1838244, MONDO:0010870, OMIM 600334.
Dilated cardiomyopathy 1G (CMD1G). Identifiers: Orphanet 154, MedGen C1858763, MONDO:0011400, OMIM 604145.

Allele frequency attached by ClinVar (database versions not stated): gnomAD exomes 0.00002; ExAC 0.00003; gnomAD 0.00004 and 0.00005; TOPMed 0.00008.
gnomAD v4.1: 53 of 1,612,904 alleles (0.0033%); highest among the groups gnomAD compares: Admixed American, 0.015%; no homozygotes.

Submissions (8):

PreventionGenetics, part of Exact Sciences
Classification: Uncertain significance for TTN-related condition. Last evaluated: 2025-11-05. Review status: criteria provided, single submitter. Criteria: ACMG Guidelines, 2015. Collection method: clinical testing. Allele origin: germline.
Comment: The TTN c.51359G>A variant is predicted to result in the amino acid substitution p.Arg17120His. To our knowledge, this variant has not been reported in the literature. This variant is reported in 0.0087% of alleles in individuals of Latino descent in gnomAD. At this time, the clinical significance of this variant is uncertain due to the absence of conclusive functional and genetic evidence.

Mayo Clinic Laboratories, Mayo Clinic
Classification: Uncertain significance. Last evaluated: 2025-06-01. Review status: criteria provided, single submitter. Criteria: ACMG Guidelines, 2015. Collection method: clinical testing. Allele origin: germline. Observed: 1 variant allele.
Comment: PP3

Revvity Omics, Revvity
Classification: Uncertain significance. Last evaluated: 2021-09-07. Review status: criteria provided, single submitter. Criteria: ACMG Guidelines, 2015. Collection method: clinical testing. Allele origin: germline.

Illumina Laboratory Services, Illumina
Classification: Uncertain significance for Tibial muscular dystrophy. Last evaluated: 2018-01-12. Review status: criteria provided, single submitter. Criteria: ICSL Variant Classification Criteria 13 December 2019. Collection method: clinical testing. Allele origin: germline.

Illumina Laboratory Services, Illumina
Classification: Uncertain significance for Dilated cardiomyopathy 1G. Last evaluated: 2018-01-12. Review status: criteria provided, single submitter. Criteria: ICSL Variant Classification Criteria 13 December 2019. Collection method: clinical testing. Allele origin: germline.

Illumina Laboratory Services, Illumina
Classification: Uncertain significance for Early-onset myopathy with fatal cardiomyopathy. Last evaluated: 2018-01-12. Review status: criteria provided, single submitter. Criteria: ICSL Variant Classification Criteria 13 December 2019. Collection method: clinical testing. Allele origin: germline.

Illumina Laboratory Services, Illumina
Classification: Uncertain significance for Myopathy, myofibrillar, 9, with early respiratory failure. Last evaluated: 2018-01-12. Review status: criteria provided, single submitter. Criteria: ICSL Variant Classification Criteria 13 December 2019. Collection method: clinical testing. Allele origin: germline.

Illumina Laboratory Services, Illumina
Classification: Uncertain significance for Autosomal recessive limb-girdle muscular dystrophy type 2J. Last evaluated: 2018-01-12. Review status: criteria provided, single submitter. Criteria: ICSL Variant Classification Criteria 13 December 2019. Collection method: clinical testing. Allele origin: germline.

NM_001267550.2(TTN):c.51359G>A (p.Arg17120His)

Genes: TTN (titin; minus strand), TTN-AS1 (TTN antisense RNA 1; plus strand). Cytogenetic location: 2q31.2.
Variant type: single nucleotide variant.
Coding change: c.51359G>A on transcript NM_001267550.2 (MANE Select); coding-DNA position 51359, G replaced by A.
Protein change: p.Arg17120His; replaces arginine 17120 with histidine.
Molecular consequence: missense variant.
Genome position (GRCh38, 1-based): chr2:178,610,167, C>T on the plus strand (G>A on the coding strand, the complement: TTN is on the minus strand). VCF-style: chr2-178610167-C-T. GRCh37 (hg19) VCF-style: chr2-179474894-C-T.
Other names: p.Arg15479His; c.46436G>A, p.Arg15479His (NM_001256850.1); c.24164G>A, p.Arg8055His (NM_003319.4); c.43655G>A, p.Arg14552His (NM_133378.4); c.24539G>A, p.Arg8180His (NM_133432.3); c.24740G>A, p.Arg8247His (NM_133437.4); short protein forms R14552H, R17120H, R8180H, R8055H, R15479H, R8247H.
Identifiers: ClinVar variation 892962 (VCV000892962.8), dbSNP rs778885931, ClinGen allele CA1994215.